The following is an entry in ClinVar:

NM_007325.5(GRIA3):c.425G>T (p.Arg142Leu)

Gene: GRIA3 (glutamate ionotropic receptor AMPA type subunit 3; plus strand). Cytogenetic location: Xq25.
Variant type: single nucleotide variant.
Coding change: c.425G>T on transcript NM_007325.5 (MANE Select); coding-DNA position 425, G replaced by T.
Protein change: p.Arg142Leu; replaces arginine 142 with leucine.
Molecular consequence: missense variant.
Genome position (GRCh38, 1-based): chrX:123,253,459, G>T. VCF-style: chrX-123253459-G-T. GRCh37 (hg19) VCF-style: chrX-122387310-G-T.
Other names: c.425G>T, p.Arg142Leu (NM_000828.5); short protein forms R142L.
Identifiers: ClinVar variation 4858209 (VCV004858209.1).

ClinVar aggregate classification (germline): Uncertain significance (1 of 4 stars; one submission).

Conditions:
Inborn genetic diseases. Identifiers: MedGen C0950123, MeSH D030342.

gnomAD v4.1: 3 of 1,209,260 alleles (0.00025%); highest among the groups gnomAD compares: Non-Finnish European, 0.00034%; no homozygotes.

Submission:

Ambry Genetics
Classification: Uncertain significance for Inborn genetic diseases. Last evaluated: 2026-05-28. Review status: criteria provided, single submitter. Criteria: Ambry Variant Classification Scheme 2023. Collection method: clinical testing. Allele origin: germline.
Comment: The c.425G>T (p.R142L) alteration is located in exon 3 (coding exon 3) of the GRIA3 gene. This alteration results from a G to T substitution at nucleotide position 425, causing the arginine (R) at amino acid position 142 to be replaced by a leucine (L). Based on data from gnomAD, the T allele has an overall frequency of 0.001% (2/183266) total alleles studied. The highest observed frequency was 0.002% (2/81785) of European (non-Finnish) alleles. Based on insufficient or conflicting evidence, the clinical significance of this alteration remains unclear.